The following is an entry in ClinVar:

NM_003114.5(SPAG1):c.2633A>C (p.Lys878Thr)

Gene: SPAG1 (sperm associated antigen 1; plus strand). Cytogenetic location: 8q22.2.
Variant type: single nucleotide variant.
Coding change: c.2633A>C on transcript NM_003114.5 (MANE Select); coding-DNA position 2633, A replaced by C.
Protein change: p.Lys878Thr; replaces lysine 878 with threonine.
Molecular consequence: missense variant.
Genome position (GRCh38, 1-based): chr8:100,240,755, A>C. VCF-style: chr8-100240755-A-C. GRCh37 (hg19) VCF-style: chr8-101252983-A-C.
Other names: c.2633A>C, p.Lys878Thr (NM_001374321.1, NM_172218.3); short protein forms K878T.
Identifiers: ClinVar variation 660297 (VCV000660297.5), dbSNP rs144327310, ClinGen allele CA4827784.

ClinVar aggregate classification (germline): Uncertain significance. Review status: criteria provided, multiple submitters, no conflicts (2 of 4 stars). 2 submissions from 2 submitters: Uncertain significance (2). Last evaluated 2022-05-30.

Conditions:
Primary ciliary dyskinesia 28. Also called: CILIARY DYSKINESIA, PRIMARY, 28, WITH OR WITHOUT SITUS INVERSUS. Identifiers: Orphanet 244, MedGen C3809706, MONDO:0014216, OMIM 615505.
Primary ciliary dyskinesia. Also called: Ciliary dyskinesia. Identifiers: Orphanet 244, MedGen C0008780, MONDO:0016575, HP:0012265.

Allele frequency attached by ClinVar (database versions not stated): gnomAD exomes 0.00004 and 0.00009; ExAC 0.00005; TOPMed 0.00008; gnomAD 0.00009 and 0.00010; ESP Exome Variant Server 0.00015.
gnomAD v4.1: 142 of 1,600,188 alleles (0.0089%); highest among the groups gnomAD compares: Non-Finnish European, 0.011%; no homozygotes.

Submissions (2):

Labcorp Genetics (formerly Invitae), Labcorp
Classification: Uncertain significance for Primary ciliary dyskinesia 28. Last evaluated: 2022-05-30. Review status: criteria provided, single submitter. Criteria: Invitae Variant Classification Sherloc (09022015). Collection method: clinical testing. Allele origin: germline.
Comment: This sequence change replaces lysine, which is basic and polar, with threonine, which is neutral and polar, at codon 878 of the SPAG1 protein (p.Lys878Thr). This variant is present in population databases (rs144327310, gnomAD 0.008%). This variant has not been reported in the literature in individuals affected with SPAG1-related conditions. ClinVar contains an entry for this variant (Variation ID: 660297). Algorithms developed to predict the effect of missense changes on protein structure and function are either unavailable or do not agree on the potential impact of this missense change (SIFT: "Deleterious"; PolyPhen-2: "Benign"; Align-GVGD: "Class C0"). In summary, the available evidence is currently insufficient to determine the role of this variant in disease. Therefore, it has been classified as a Variant of Uncertain Significance.

Ambry Genetics
Classification: Uncertain significance for Primary ciliary dyskinesia. Last evaluated: 2022-05-06. Review status: criteria provided, single submitter. Criteria: Ambry Variant Classification Scheme 2023. Collection method: clinical testing. Allele origin: germline.
Comment: The p.K878T variant (also known as c.2633A>C), located in coding exon 17 of the SPAG1 gene, results from an A to C substitution at nucleotide position 2633. The lysine at codon 878 is replaced by threonine, an amino acid with similar properties. This amino acid position is conserved. In addition, this alteration is predicted to be tolerated by in silico analysis. Since supporting evidence is limited at this time, the clinical significance of this alteration remains unclear.